The following is an entry in ClinVar:

ClinVar aggregate classification (germline): Pathogenic/Likely pathogenic. Review status: criteria provided, multiple submitters, no conflicts (2 of 4 stars). 5 submissions from 5 submitters: Pathogenic (3); Likely pathogenic (2). Last evaluated 2025-11-21.

Conditions:
Adult hypophosphatasia. Identifiers: Orphanet 247676, Orphanet 436, MedGen C0268413, MONDO:1010154, OMIM 146300, MONDO:0007798.
Hypophosphatasia. Also called: Phosphoethanol-aminuria. Identifiers: Orphanet 436, MedGen C0020630, MeSH D007014, MONDO:0018570.

Submissions (5):

Natera, Inc.
Classification: Likely pathogenic for Hypophosphatasia. Last evaluated: 2025-11-21. Review status: criteria provided, single submitter. Criteria: Natera Variant Classification Schema (03/2026). Collection method: clinical testing. Allele origin: germline.
Comment: The c.1132G>T variant in ALPL is a missense variant predicted to cause substitution of aspartic acid to tyrosine at amino acid 378. This variant is rare in the general population with a frequency below the threshold expected for the associated phenotype(s). This variant has been observed in affected individual(s) with monoallelic occurrence (heterozygous/hemizygous) (PMID: 32160374, 37147467, 33191482, 31707452). Functional studies show that this variant may disrupt protein function (PMID: 32160374). A different variant at the same position has been determined to be Pathogenic or Likely Pathogenic. Computational prediction algorithms indicate this variant is likely to affect gene or protein function. Given the available evidence, this variant is classified as Likely Pathogenic.

Genomenon, Inc
Classification: Pathogenic for Hypophosphatasia. Last evaluated: 2025-08-29. Review status: criteria provided, single submitter. Criteria: Genomenon Sequence Variant Interpretation Standards. Collection method: curation. Allele origin: germline. Affected: yes.
Comment: ALPL Asp378Tyr (c.1132G>T) is a missense variant that changes the amino acid at residue 378 from Aspartic acid to Tyrosine. This variant has been observed in at least one proband affected with hypophosphatasia (PMID:33191482;31707452). At least one functional study has demonstrated a substantial alteration in protein function relative to the wild-type (PMID:32160374;31707452). It is absent or not present at a significant frequency in gnomAD. In silico models agree that this variant is possibly or probably damaging. In conclusion, we classify ALPL p.Asp378Tyr (c.1132G>T) as a pathogenic variant.

MVZ Medizinische Genetik Mainz
Classification: Pathogenic for Adult hypophosphatasia. Last evaluated: 2025-02-21. Review status: criteria provided, single submitter. Criteria: UK Practice Guidelines For Variant Classification V4 01 2020. Collection method: clinical testing. Allele origin: germline. Inheritance: Autosomal dominant inheritance. Affected: yes. Observed: 1 variant allele.
Comment: ACMG Criteria: PP3_STR,PS3_MOD,PS4_MOD,PM5,PM2_SUP

GeneDx
Classification: Pathogenic. Last evaluated: 2023-11-14. Review status: criteria provided, single submitter. Criteria: GeneDx Variant Classification Process June 2021. Collection method: clinical testing. Allele origin: germline. Affected: yes.
Comment: Not observed at significant frequency in large population cohorts (gnomAD); In silico analysis supports that this missense variant has a deleterious effect on protein structure/function; Has been reported as a single heterozygous variant in a patient with reported clinical features of odonto-hypophosphatasia (PMID: 31707452); This variant is associated with the following publications: (PMID: 32160374, 31707452, 17213282, 1409720, 10690885)

JKU Lab, Dept of Paediatrics, Johannes Kepler University
Classification: Likely pathogenic for Hypophosphatasia. Last evaluated: 2023-06-20. Review status: criteria provided, single submitter. Criteria: ACMG Guidelines, 2015. Collection method: clinical testing. Allele origin: germline. Affected: yes. Observed: 1 heterozygote.
Comment: Absent in GnomAD. Functional testing at the JKU lab showed reduced ALP residual activity. The functional test results and ACMG criteria applied can be looked up in the ALPL gene variant database.

Literature cited by the submitters: PubMed 32160374 (cited by Natera, Inc. and Genomenon, Inc); PubMed 37147467 (cited by Natera, Inc.); PubMed 33191482 (cited by Natera, Inc. and Genomenon, Inc); PubMed 31707452 (cited by Natera, Inc. and Genomenon, Inc).

NM_000478.6(ALPL):c.1132G>T (p.Asp378Tyr)

Gene: ALPL (alkaline phosphatase, biomineralization associated; plus strand). Cytogenetic location: 1p36.12.
Variant type: single nucleotide variant.
Coding change: c.1132G>T on transcript NM_000478.6 (MANE Select); coding-DNA position 1132, G replaced by T.
Protein change: p.Asp378Tyr; replaces aspartic acid 378 with tyrosine.
Molecular consequence: missense variant.
Genome position (GRCh38, 1-based): chr1:21,575,867, G>T. VCF-style: chr1-21575867-G-T. GRCh37 (hg19) VCF-style: chr1-21902360-G-T.
Other names: c.1132G>T (NM_000478.4, NM_000478.5); c.967G>T, p.Asp323Tyr (NM_001127501.4); c.901G>T, p.Asp301Tyr (NM_001177520.3); c.1132G>T, p.Asp378Tyr (NM_001369803.2, NM_001369804.2, NM_001369805.2); short protein forms D301Y, D323Y, D378Y.
Identifiers: ClinVar variation 2664937 (VCV002664937.5), dbSNP rs1553414611, ClinGen allele CA338881341.